The following is an entry in ClinVar:

ClinVar aggregate classification (germline): Uncertain significance (1 of 4 stars; one submission).

Conditions:
Malignant hyperthermia, susceptibility to, 1 (MHS1). Also called: Anesthesia related hyperthermia; Malignant hyperpyrexia; Fulminating hyperpyrexia; Pharmacogenic myopathy; RYR1-Related Malignant Hyperthermia Susceptibility; Malignant hyperthermia suceptibility 1. Identifiers: Orphanet 423, MedGen C2930980, MONDO:0007783, OMIM 145600.

Submission:

All of Us Research Program, National Institutes of Health
Classification: Uncertain significance for Malignant hyperthermia, susceptibility to, 1. Last evaluated: 2023-08-15. Review status: criteria provided, single submitter. Criteria: ACMG Guidelines, 2015. Collection method: clinical testing. Allele origin: germline. Inheritance: Autosomal dominant inheritance. Observed: 2 variant alleles, 2 heterozygotes.
Comment: This study involves interpretation of variants in research participants for the purpose of population health screening. Participant phenotype was not available at the time of variant classification. Additional details can be found in publication PMID: 35346344, PMCID: PMC8962531

NM_000540.3(RYR1):c.13592C>T (p.Pro4531Leu)

Gene: RYR1 (ryanodine receptor 1; plus strand). Cytogenetic location: 19q13.2.
Variant type: single nucleotide variant.
Coding change: c.13592C>T on transcript NM_000540.3 (MANE Select); coding-DNA position 13592, C replaced by T.
Protein change: p.Pro4531Leu; replaces proline 4531 with leucine.
Molecular consequence: missense variant.
Genome position (GRCh38, 1-based): chr19:38,567,850, C>T. VCF-style: chr19-38567850-C-T. GRCh37 (hg19) VCF-style: chr19-39058490-C-T.
Other names: c.13577C>T, p.Pro4526Leu (NM_001042723.2); short protein forms P4526L, P4531L.
Identifiers: ClinVar variation 3070610 (VCV003070610.1), dbSNP rs2514694360, ClinGen allele CA080942.
Genomic context (GRCh38, chr19:38,567,850, plus strand): 5'-AGGAAGAAGTTCCCGAGCCCACACCAGAGCCCCCCAAGAAGCAAGCACCTCCCTCACCCC[C>T]TCCAAAGAAGGAGGAAGCTGGAGGCGAATTCTGGGGAGAACTGGAGGTGCAGAGGGTGAA-3'
Protein context (NP_000531.2, residues 4521-4541): PPKKQAPPSP[Pro4531Leu]PKKEEAGGEF